The following is an entry in ClinVar:

ClinVar aggregate classification (germline): Benign/Likely benign. Review status: criteria provided, multiple submitters, no conflicts (2 of 4 stars). 11 submissions from 8 submitters: Benign (4); Likely benign (6). 1 of the submissions does not count toward it. Last evaluated 2026-01-12.

Conditions:
CACNA1S-related disorder. Also called: CACNA1S-related condition.
Malignant hyperthermia, susceptibility to, 5 (MHS5). Also called: CACNA1S-Related Malignant Hyperthermia Susceptibility. Identifiers: Orphanet 423, MedGen C1866077, MONDO:0011163, OMIM 601887.
Congenital myopathy 18. Also called: Myopathy, congenital, due to dihydropyridine receptor defect; DIHYDROPYRIDINE RECEPTOR CONGENITAL MYOPATHY; DHPR CONGENITAL MYOPATHY. Identifiers: MedGen C5830283, MONDO:0859514, OMIM 620246.
Hypokalemic periodic paralysis, type 1. Also called: Hypokalemic Periodic Paralysis Type 1 (AD); HypoPP. Identifiers: Orphanet 681, MedGen C3714580, MONDO:0042979, OMIM 170400.
Thyrotoxic periodic paralysis, susceptibility to, 1 (TTPP1). Identifiers: Orphanet 79102, MedGen C2749982, MONDO:0008570, OMIM 188580.

Allele frequency attached by ClinVar (database versions not stated): ExAC 0.00018; ESP Exome Variant Server 0.00024; gnomAD 0.00030; gnomAD exomes 0.00034 and 0.00040; TOPMed 0.00047.
gnomAD v4.1: 516 of 1,551,458 alleles (0.033%); highest among the groups gnomAD compares: Admixed American, 0.12%; 2 homozygotes.

Submissions (11):

Labcorp Genetics (formerly Invitae), Labcorp
Classification: Benign for Hypokalemic periodic paralysis, type 1; Malignant hyperthermia, susceptibility to, 5. Last evaluated: 2026-01-12. Review status: criteria provided, single submitter. Criteria: Invitae Variant Classification Sherloc (09022015). Collection method: clinical testing. Allele origin: germline.

Blueprint Genetics
Classification: Likely benign. Last evaluated: 2024-09-18. Review status: criteria provided, single submitter. Criteria: ACMG Guidelines, 2015. Collection method: clinical testing. Allele origin: germline.

All of Us Research Program, National Institutes of Health
Classification: Benign for Malignant hyperthermia, susceptibility to, 5. Last evaluated: 2024-02-05. Review status: criteria provided, single submitter. Criteria: ACMG Guidelines, 2015. Collection method: clinical testing. Allele origin: germline. Inheritance: Autosomal dominant inheritance. Observed: 95 variant alleles, 95 heterozygotes.
Comment: This study involves interpretation of variants in research participants for the purpose of population health screening. Participant phenotype was not available at the time of variant classification. Additional details can be found in publication PMID: 35346344, PMCID: PMC8962531

Genome-Nilou Lab
Classification: Likely benign for Malignant hyperthermia, susceptibility to, 5. Last evaluated: 2023-04-11. Review status: criteria provided, single submitter. Criteria: ACMG Guidelines, 2015. Collection method: clinical testing. Allele origin: germline. Affected: no.

Genome-Nilou Lab
Classification: Likely benign for Thyrotoxic periodic paralysis, susceptibility to, 1. Last evaluated: 2023-04-11. Review status: criteria provided, single submitter. Criteria: ACMG Guidelines, 2015. Collection method: clinical testing. Allele origin: germline. Affected: no.

Genome-Nilou Lab
Classification: Likely benign for Congenital myopathy 18. Last evaluated: 2023-04-11. Review status: criteria provided, single submitter. Criteria: ACMG Guidelines, 2015. Collection method: clinical testing. Allele origin: germline. Affected: no.

Genome-Nilou Lab
Classification: Likely benign for Hypokalemic periodic paralysis, type 1. Last evaluated: 2023-04-11. Review status: criteria provided, single submitter. Criteria: ACMG Guidelines, 2015. Collection method: clinical testing. Allele origin: germline. Affected: no.

Color Diagnostics, LLC DBA Color Health
Classification: Benign for Malignant hyperthermia, susceptibility to, 5. Last evaluated: 2022-11-08. Review status: criteria provided, single submitter. Criteria: ACMG Guidelines, 2015. Collection method: clinical testing. Allele origin: germline.

GeneDx
Classification: Likely benign. Last evaluated: 2021-03-16. Review status: criteria provided, single submitter. Criteria: GeneDx Variant Classification Process June 2021. Collection method: clinical testing. Allele origin: germline. Affected: yes.

Illumina Laboratory Services, Illumina
Classification: Benign for Hypokalemic periodic paralysis, type 1. Last evaluated: 2018-01-13. Review status: criteria provided, single submitter. Criteria: ICSL Variant Classification Criteria 13 December 2019. Collection method: clinical testing. Allele origin: germline.
Comment: This variant was observed in the ICSL laboratory as part of a predisposition screen in an ostensibly healthy population. It had not been previously curated by ICSL or reported in the Human Gene Mutation Database (HGMD: prior to June 1st, 2018), and was therefore a candidate for classification through an automated scoring system. Utilizing variant allele frequency, disease prevalence and penetrance estimates, and inheritance mode, an automated score was calculated to assess if this variant is too frequent to cause the disease. Based on the score and internal cut-off values, a variant classified as benign is not then subjected to further curation. The score for this variant resulted in a classification of benign for this disease.

PreventionGenetics, part of Exact Sciences
Classification: Likely benign for CACNA1S-related condition. Last evaluated: 2021-08-31. Review status: no assertion criteria provided. Collection method: clinical testing. Allele origin: germline. Not counted in ClinVar's aggregate classification.
Comment: This variant is classified as likely benign based on ACMG/AMP sequence variant interpretation guidelines (Richards et al. 2015 PMID: 25741868, with internal and published modifications).

NM_000069.3(CACNA1S):c.2361-11C>T

Gene: CACNA1S (calcium voltage-gated channel subunit alpha1 S; minus strand). Cytogenetic location: 1q32.1.
Variant type: single nucleotide variant.
Coding change: c.2361-11C>T on transcript NM_000069.3 (MANE Select); 11 bases into the intron before coding-DNA position 2361, C replaced by T.
Molecular consequence: intron variant.
Genome position (GRCh38, 1-based): chr1:201,069,612, G>A on the plus strand (C>T on the coding strand, the complement: CACNA1S is on the minus strand). VCF-style: chr1-201069612-G-A. GRCh37 (hg19) VCF-style: chr1-201038740-G-A.
Identifiers: ClinVar variation 294747 (VCV000294747.21), dbSNP rs376279583, ClinGen allele CA078955.